The following is an entry in ClinVar:

NM_013254.4(TBK1):c.1792A>G (p.Met598Val)

Gene: TBK1 (TANK binding kinase 1; plus strand). Cytogenetic location: 12q14.2.
Variant type: single nucleotide variant.
Coding change: c.1792A>G on transcript NM_013254.4 (MANE Select); coding-DNA position 1792, A replaced by G.
Protein change: p.Met598Val; replaces methionine 598 with valine.
Molecular consequence: missense variant.
Genome position (GRCh38, 1-based): chr12:64,496,980, A>G. VCF-style: chr12-64496980-A-G. GRCh37 (hg19) VCF-style: chr12-64890760-A-G.
Other names: c.1792A>G, p.Met598Val (LRG_1306t1); short protein forms M598V.
Identifiers: ClinVar variation 516884 (VCV000516884.9), dbSNP rs899858451, ClinGen allele CA238276382.

ClinVar aggregate classification (germline): Conflicting classifications of pathogenicity. Review status: criteria provided, conflicting classifications (1 of 4 stars). 3 submissions from 3 submitters: Uncertain significance (2); Likely benign (1). Last evaluated 2026-05-22.

Conditions:
Frontotemporal dementia and/or amyotrophic lateral sclerosis 4. Also called: FTDALS4. Identifiers: Orphanet 275872, MedGen C4225325, MONDO:0014641, OMIM 616439.
TBK1-related disorder. Also called: TBK1-related condition.

Allele frequency attached by ClinVar (database versions not stated): gnomAD exomes 0.00002 and 0.00003; TOPMed 0.00002; gnomAD 0.00004 and 0.00005.
gnomAD v4.1: 49 of 1,613,070 alleles (0.003%); highest among the groups gnomAD compares: African/African-American, 0.0053%; no homozygotes.

Submissions (3):

PreventionGenetics, part of Exact Sciences
Classification: Uncertain significance for TBK1-related condition. Last evaluated: 2026-05-22. Review status: criteria provided, single submitter. Criteria: ACMG Guidelines, 2015. Collection method: clinical testing. Allele origin: germline.
Comment: The TBK1 c.1792A>G variant is predicted to result in the amino acid substitution p.Met598Val. This variant has been reported in cohort studies in individuals with sporadic amyotrophic lateral sclerosis or frontotemporal dementia (Supplementary Data, Freischmidt et al. 2015. PubMed ID: 25803835; van der Zee et al. 2017. PubMed ID: 28008748). This variant has also been reported in control populations (van der Zee et al. 2017. PubMed ID: 28008748) and is reported in 0.0039% of alleles in individuals of European (Non-Finnish) descent in gnomAD. At this time, the clinical significance of this variant is uncertain due to the absence of conclusive functional and genetic evidence.

Labcorp Genetics (formerly Invitae), Labcorp
Classification: Uncertain significance for Frontotemporal dementia and/or amyotrophic lateral sclerosis 4. Last evaluated: 2023-06-17. Review status: criteria provided, single submitter. Criteria: Invitae Variant Classification Sherloc (09022015). Collection method: clinical testing. Allele origin: germline.
Comment: This sequence change replaces methionine, which is neutral and non-polar, with valine, which is neutral and non-polar, at codon 598 of the TBK1 protein (p.Met598Val). This variant is present in population databases (no rsID available, gnomAD 0.003%). This missense change has been observed in individual(s) with frontotemporal dementia and amyotrophic lateral sclerosis (PMID: 25803835, 28008748). ClinVar contains an entry for this variant (Variation ID: 516884). Advanced modeling of protein sequence and biophysical properties (such as structural, functional, and spatial information, amino acid conservation, physicochemical variation, residue mobility, and thermodynamic stability) performed at Invitae indicates that this missense variant is not expected to disrupt TBK1 protein function. Experimental studies have shown that this missense change does not substantially affect TBK1 function (PMID: 28008748). In summary, the available evidence is currently insufficient to determine the role of this variant in disease. Therefore, it has been classified as a Variant of Uncertain Significance.

GeneDx
Classification: Likely benign. Last evaluated: 2017-04-17. Review status: criteria provided, single submitter. Criteria: GeneDx Variant Classification (06012015). Collection method: clinical testing. Allele origin: germline. Affected: yes.
Comment: This variant is considered likely benign or benign based on one or more of the following criteria: it is a conservative change, it occurs at a poorly conserved position in the protein, it is predicted to be benign by multiple in silico algorithms, and/or has population frequency not consistent with disease.

Literature cited by the submitters: PubMed 25803835 (cited by Labcorp Genetics (formerly Invitae), Labcorp); PubMed 28008748 (cited by Labcorp Genetics (formerly Invitae), Labcorp).